The following is an entry in ClinVar:

ClinVar aggregate classification (germline): Uncertain significance (1 of 4 stars; one submission).

Conditions:
Early Myoclonic Encephalopathy. Identifiers: MedGen C0270855.

Allele frequency attached by ClinVar (database versions not stated): ExAC 0.00001; gnomAD 0.00001; gnomAD exomes 0.00002.
gnomAD v4.1: 55 of 1,596,218 alleles (0.0034%); highest among the groups gnomAD compares: Non-Finnish European, 0.0044%; no homozygotes.

Submission:

Labcorp Genetics (formerly Invitae), Labcorp
Classification: Uncertain significance for Early Myoclonic Encephalopathy. Last evaluated: 2024-09-21. Review status: criteria provided, single submitter. Criteria: Invitae Variant Classification Sherloc (09022015). Collection method: clinical testing. Allele origin: germline.
Comment: This sequence change replaces serine, which is neutral and polar, with isoleucine, which is neutral and non-polar, at codon 123 of the JMJD1C protein (p.Ser123Ile). This variant is present in population databases (rs768268340, gnomAD 0.002%). This variant has not been reported in the literature in individuals affected with JMJD1C-related conditions. ClinVar contains an entry for this variant (Variation ID: 942328). An algorithm developed to predict the effect of missense changes on protein structure and function (PolyPhen-2) suggests that this variant is likely to be tolerated. In summary, the available evidence is currently insufficient to determine the role of this variant in disease. Therefore, it has been classified as a Variant of Uncertain Significance.

NM_032776.3(JMJD1C):c.368G>T (p.Ser123Ile)

Gene: JMJD1C (jumonji domain containing 1C; minus strand). Cytogenetic location: 10q21.3.
Variant type: single nucleotide variant.
Coding change: c.368G>T on transcript NM_032776.3 (MANE Select); coding-DNA position 368, G replaced by T.
Protein change: p.Ser123Ile; replaces serine 123 with isoleucine.
Molecular consequence: missense variant. On other transcripts: 5 prime UTR variant (5), intron variant (1).
Genome position (GRCh38, 1-based): chr10:63,264,730, C>A on the plus strand (G>T on the coding strand, the complement: JMJD1C is on the minus strand). VCF-style: chr10-63264730-C-A. GRCh37 (hg19) VCF-style: chr10-65024490-C-A.
Other names: c.-179G>T (NM_001282948.2, NM_001318154.2); c.-501G>T (NM_001318153.2); c.-184G>T (NM_001322254.2, NM_001322258.2); c.334-44747G>T (NM_001322252.2); short protein forms S123I.
Identifiers: ClinVar variation 942328 (VCV000942328.9), dbSNP rs768268340, ClinGen allele CA5519050.